The following is an entry in ClinVar:

ClinVar aggregate classification (germline): Uncertain significance. Review status: criteria provided, multiple submitters, no conflicts (2 of 4 stars). 2 submissions from 2 submitters: Uncertain significance (2). Last evaluated 2024-10-03.

gnomAD v4.1: 1 of 1,614,192 alleles (0.000062%); highest among the groups gnomAD compares: Non-Finnish European, 0.000085%; no homozygotes.

Submissions (2):

Labcorp Genetics (formerly Invitae), Labcorp
Classification: Uncertain significance. Last evaluated: 2024-10-03. Review status: criteria provided, single submitter. Criteria: Invitae Variant Classification Sherloc (09022015). Collection method: clinical testing. Allele origin: germline.
Comment: This sequence change replaces leucine, which is neutral and non-polar, with valine, which is neutral and non-polar, at codon 438 of the HIVEP2 protein (p.Leu438Val). This variant is not present in population databases (gnomAD no frequency). This variant has not been reported in the literature in individuals affected with HIVEP2-related conditions. ClinVar contains an entry for this variant (Variation ID: 1690536). Invitae Evidence Modeling of protein sequence and biophysical properties (such as structural, functional, and spatial information, amino acid conservation, physicochemical variation, residue mobility, and thermodynamic stability) indicates that this missense variant is not expected to disrupt HIVEP2 protein function with a negative predictive value of 80%. In summary, the available evidence is currently insufficient to determine the role of this variant in disease. Therefore, it has been classified as a Variant of Uncertain Significance.

Laboratorio de Genetica e Diagnostico Molecular, Hospital Israelita Albert Einstein
Classification: Uncertain significance. Last evaluated: 2021-12-30. Review status: criteria provided, single submitter. Criteria: ACMG Guidelines, 2015. Collection method: clinical testing. Allele origin: germline. Affected: yes.
Comment: ACMG classification criteria: PM2, BP4

NM_006734.4(HIVEP2):c.1312C>G (p.Leu438Val)

Gene: HIVEP2 (HIVEP zinc finger 2; minus strand). Cytogenetic location: 6q24.2.
Variant type: single nucleotide variant.
Coding change: c.1312C>G on transcript NM_006734.4 (MANE Select); coding-DNA position 1312, C replaced by G.
Protein change: p.Leu438Val; replaces leucine 438 with valine.
Molecular consequence: missense variant.
Genome position (GRCh38, 1-based): chr6:142,773,427, G>C on the plus strand (C>G on the coding strand, the complement: HIVEP2 is on the minus strand). VCF-style: chr6-142773427-G-C. GRCh37 (hg19) VCF-style: chr6-143094564-G-C.
Other names: short protein forms L438V.
Identifiers: ClinVar variation 1690536 (VCV001690536.4), dbSNP rs745768107, ClinGen allele CA365914110.